The following is an entry in ClinVar:

NM_001070.5(TUBG1):c.330+115C>G

Gene: TUBG1 (tubulin gamma 1; plus strand). Cytogenetic location: 17q21.2.
Variant type: single nucleotide variant.
Coding change: c.330+115C>G on transcript NM_001070.5 (MANE Select); 115 bases into the intron after coding-DNA position 330, C replaced by G.
Molecular consequence: intron variant.
Genome position (GRCh38, 1-based): chr17:42,610,705, C>G. VCF-style: chr17-42610705-C-G. GRCh37 (hg19) VCF-style: chr17-40762723-C-G.
Identifiers: ClinVar variation 676974 (VCV000676974.2), dbSNP rs79843583, ClinGen allele CA290798704.

ClinVar aggregate classification (germline): Benign. Review status: criteria provided, multiple submitters, no conflicts (2 of 4 stars). 2 submissions from 2 submitters: Benign (2). Last evaluated 2018-06-14.

Allele frequency attached by ClinVar (database versions not stated): 1000 Genomes Project 30x 0.01171; 1000 Genomes Project 0.01178; gnomAD 0.01416 and 0.01537; TOPMed 0.01598.
gnomAD v4.1: 4,099 of 1,482,046 alleles (0.28%); highest among the groups gnomAD compares: African/African-American, 5%; 102 homozygotes.

Submissions (2):

GeneDx
Classification: Benign. Last evaluated: 2018-06-14. Review status: criteria provided, single submitter. Criteria: GeneDx Variant Classification (06012015). Collection method: clinical testing. Allele origin: germline. Affected: yes.
Comment: This variant is considered likely benign or benign based on one or more of the following criteria: it is a conservative change, it occurs at a poorly conserved position in the protein, it is predicted to be benign by multiple in silico algorithms, and/or has population frequency not consistent with disease.

Breakthrough Genomics
Classification: Benign. Review status: criteria provided, single submitter. Criteria: ACMG Guidelines, 2015. Collection method: not provided. Allele origin: germline. Inheritance: Autosomal dominant inheritance. Affected: yes.